The following is an entry in ClinVar:

NM_033100.4(CDHR1):c.297+1G>T

Gene: CDHR1 (cadherin related family member 1; plus strand). Cytogenetic location: 10q23.1.
Variant type: single nucleotide variant.
Coding change: c.297+1G>T on transcript NM_033100.4 (MANE Select); the canonical splice donor site of the intron after coding-DNA position 297, G replaced by T.
Molecular consequence: splice donor variant.
Genome position (GRCh38, 1-based): chr10:84,196,651, G>T. VCF-style: chr10-84196651-G-T. GRCh37 (hg19) VCF-style: chr10-85956407-G-T.
Other names: c.297+1G>T (NM_001171971.3).
Identifiers: ClinVar variation 4698276 (VCV004698276.2).

ClinVar aggregate classification (germline): Pathogenic. Review status: criteria provided, multiple submitters, no conflicts (2 of 4 stars). 2 submissions from 2 submitters: Pathogenic (2). Last evaluated 2026-01-04.

Conditions:
CDHR1-related disorders.

gnomAD v4.1: 8 of 1,614,044 alleles (0.0005%); highest among the groups gnomAD compares: Middle Eastern, 0.016%; no homozygotes.

Submissions (2):

Labcorp Genetics (formerly Invitae), Labcorp
Classification: Pathogenic. Last evaluated: 2026-01-04. Review status: criteria provided, single submitter. Criteria: Invitae Variant Classification Sherloc (09022015). Collection method: clinical testing. Allele origin: germline.
Comment: This sequence change affects a donor splice site in intron 3 of the CDHR1 gene. It is expected to disrupt RNA splicing. Variants that disrupt the donor or acceptor splice site typically lead to a loss of protein function (PMID: 16199547), and loss-of-function variants in CDHR1 are known to be pathogenic (PMID: 23044944, 23591405, 26103963, 26261414). This variant is present in population databases (no rsID available, gnomAD 0.003%). Disruption of this splice site has been observed in individuals with clinical features of CDHR1-related conditions (PMID: 32681094; internal data). Algorithms developed to predict the effect of sequence changes on RNA splicing suggest that this variant may disrupt the consensus splice site. For these reasons, this variant has been classified as Pathogenic.

Blueprint Genetics
Classification: Pathogenic for CDHR1-related disorders. Last evaluated: 2021-10-26. Review status: criteria provided, single submitter. Criteria: ACMG Guidelines, 2015. Collection method: clinical testing. Allele origin: germline. Affected: yes. Observed: 3 variant alleles.

Literature cited by the submitters: PubMed 16199547 (cited by Labcorp Genetics (formerly Invitae), Labcorp); PubMed 23044944 (cited by Labcorp Genetics (formerly Invitae), Labcorp); PubMed 23591405 (cited by Labcorp Genetics (formerly Invitae), Labcorp); PubMed 26103963 (cited by Labcorp Genetics (formerly Invitae), Labcorp); PubMed 26261414 (cited by Labcorp Genetics (formerly Invitae), Labcorp); PubMed 32681094 (cited by Labcorp Genetics (formerly Invitae), Labcorp).